The following is an entry in ClinVar:

NM_002474.3(MYH11):c.2181-30C>T

Gene: MYH11 (myosin heavy chain 11; minus strand). Cytogenetic location: 16p13.11.
Variant type: single nucleotide variant.
Coding change: c.2181-30C>T on transcript NM_002474.3 (MANE Select); 30 bases into the intron before coding-DNA position 2181, C replaced by T.
Molecular consequence: intron variant.
Genome position (GRCh38, 1-based): chr16:15,747,973, G>A on the plus strand (C>T on the coding strand, the complement: MYH11 is on the minus strand). VCF-style: chr16-15747973-G-A. GRCh37 (hg19) VCF-style: chr16-15841830-G-A.
Other names: c.2181-30C>T (NM_022844.3); c.2202-30C>T (NM_001040114.2, NM_001040113.2).
Identifiers: ClinVar variation 670993 (VCV000670993.4), dbSNP rs2293736, ClinGen allele CA7922360.

ClinVar aggregate classification (germline): Benign. Review status: criteria provided, multiple submitters, no conflicts (2 of 4 stars). 5 submissions from 3 submitters: Benign (5). Last evaluated 2021-09-05.

Conditions:
Visceral myopathy 2. Identifiers: MedGen C5543466, MONDO:0859157, OMIM 619350.
Megacystis-microcolon-intestinal hypoperistalsis syndrome 2. Identifiers: MedGen C5543476, MONDO:0025708, OMIM 619351.
Aortic aneurysm, familial thoracic 4 (AAT4). Also called: AORTIC ANEURYSM/AORTIC DISSECTION AND PATENT DUCTUS ARTERIOSUS. Identifiers: MedGen C1851504, MONDO:0007568, OMIM 132900.

Allele frequency attached by ClinVar (database versions not stated): gnomAD 0.05943 and 0.06120; ESP Exome Variant Server 0.06134; TOPMed 0.06159; ExAC 0.06324; 1000 Genomes Project 30x 0.08011; 1000 Genomes Project 0.08287.
gnomAD v4.1: 107,838 of 1,614,058 alleles (6.7%); highest among the groups gnomAD compares: East Asian, 15%; 4,077 homozygotes.

Submissions (5):

Genome-Nilou Lab
Classification: Benign for Aortic aneurysm, familial thoracic 4. Last evaluated: 2021-09-05. Review status: criteria provided, single submitter. Criteria: ACMG Guidelines, 2015. Collection method: clinical testing. Allele origin: germline. Affected: no.

Genome-Nilou Lab
Classification: Benign for Megacystis-microcolon-intestinal hypoperistalsis syndrome 2. Last evaluated: 2021-09-05. Review status: criteria provided, single submitter. Criteria: ACMG Guidelines, 2015. Collection method: clinical testing. Allele origin: germline. Affected: no.

Genome-Nilou Lab
Classification: Benign for Visceral myopathy 2. Last evaluated: 2021-09-05. Review status: criteria provided, single submitter. Criteria: ACMG Guidelines, 2015. Collection method: clinical testing. Allele origin: germline. Affected: no.

GeneDx
Classification: Benign. Last evaluated: 2018-06-14. Review status: criteria provided, single submitter. Criteria: GeneDx Variant Classification (06012015). Collection method: clinical testing. Allele origin: germline. Affected: yes.
Comment: This variant is considered likely benign or benign based on one or more of the following criteria: it is a conservative change, it occurs at a poorly conserved position in the protein, it is predicted to be benign by multiple in silico algorithms, and/or has population frequency not consistent with disease.

Breakthrough Genomics
Classification: Benign. Review status: criteria provided, single submitter. Criteria: ACMG Guidelines, 2015. Collection method: not provided. Allele origin: germline. Inheritance: Autosomal recessive inheritance. Affected: yes.